The following is an entry in ClinVar:

ClinVar aggregate classification (germline): Likely benign (1 of 4 stars; one submission).

Conditions:
PCNT-related disorder. Also called: PCNT-related condition.

gnomAD v4.1: 1 of 1,613,828 alleles (0.000062%); highest among the groups gnomAD compares: African/African-American, 0.0013%; no homozygotes.

Submission:

PreventionGenetics, part of Exact Sciences
Classification: Likely benign for PCNT-related condition. Last evaluated: 2026-01-06. Review status: criteria provided, single submitter. Criteria: ACMG Guidelines, 2015. Collection method: clinical testing. Allele origin: germline.
Comment: This variant is classified as likely benign based on ACMG/AMP sequence variant interpretation guidelines (Richards et al. 2015 PMID: 25741868, with internal and published modifications).

NM_006031.6(PCNT):c.6423T>C (p.Val2141=)

Gene: PCNT (pericentrin; plus strand). Cytogenetic location: 21q22.3.
Variant type: single nucleotide variant.
Coding change: c.6423T>C on transcript NM_006031.6 (MANE Select); coding-DNA position 6423, T replaced by C.
Protein change: p.Val2141=; no amino-acid change (valine 2141 retained).
Molecular consequence: synonymous variant.
Genome position (GRCh38, 1-based): chr21:46,416,341, T>C. VCF-style: chr21-46416341-T-C. GRCh37 (hg19) VCF-style: chr21-47836255-T-C.
Other names: c.6069T>C, p.Val2023= (NM_001315529.2).
Identifiers: ClinVar variation 4977660 (VCV004977660.1).